The following is an entry in ClinVar:

ClinVar aggregate classification (germline): Uncertain significance (1 of 4 stars; one submission).

Conditions:
Familial thoracic aortic aneurysm and aortic dissection (TAAD). Also called: Thoracic aortic aneurysms and dissections. Identifiers: Orphanet 91387, MedGen C4707243, MONDO:0019625.

Submission:

Ambry Genetics
Classification: Uncertain significance for Familial thoracic aortic aneurysm and aortic dissection. Last evaluated: 2024-03-28. Review status: criteria provided, single submitter. Criteria: Ambry Variant Classification Scheme 2023. Collection method: clinical testing. Allele origin: germline.
Comment: The c.6047-3_6047-2delAA intronic variant is located two nucleotides before coding exon 48 of the FBN2 gene. This variant results from a deletion of 2 nucleotides at positions c.6047-3 to c.6047-2. This variant does not change the sequence of the canonical acceptor at this splice site. These nucleotide positions are well conserved in available vertebrate species. In silico splice site analysis predicts that this alteration will not have any significant effect on splicing. Alterations that disrupt the canonical splice site are expected to cause aberrant splicing, resulting in an abnormal protein or a transcript that is subject to nonsense-mediated mRNA decay. However, loss of function of FBN2 has not been established as a mechanism of disease. Based on the available evidence, the clinical significance of this alteration remains unclear.

NM_001999.4(FBN2):c.6047-3_6047-2del

Gene: FBN2 (fibrillin 2; minus strand). Cytogenetic location: 5q23.3.
Variant type: Deletion.
Coding change: c.6047-3_6047-2del on transcript NM_001999.4 (MANE Select); 3 bases into the intron before coding-DNA position 6047 through the canonical splice acceptor site of the intron before coding-DNA position 6047, 2 bases deleted (AA; older notation c.6047-3_6047-2delAA).
Molecular consequence: splice acceptor variant.
Genome position (GRCh38, 1-based): chr5:128,300,938-128,300,939, TT deleted on the plus strand (AA on the coding strand, the reverse complement: FBN2 is on the minus strand); deleting any 2 consecutive bases within chr5:128,300,938-128,300,940 gives the same sequence; the c. name uses the placement nearest the transcript's 3' end. VCF-style (leftmost placement, unchanged base first): chr5-128300937-CTT-C. GRCh37 (hg19) VCF-style: chr5-127636629-CTT-C.
Identifiers: ClinVar variation 3277962 (VCV003277962.1).